The following is an entry in ClinVar:

NM_003839.4(TNFRSF11A):c.871GAG[1] (p.Glu292del)

Gene: TNFRSF11A (TNF receptor superfamily member 11a; plus strand). Cytogenetic location: 18q21.33.
Variant type: Microsatellite.
Coding change: c.871GAG[1] on transcript NM_003839.4 (MANE Select); one copy of the 3-base unit GAG starting at c.871; the reference has two copies in a row; one copy, 3 bases deleted.
Protein change: p.Glu292del; deletes glutamic acid 292.
Molecular consequence: inframe deletion. On other transcripts: intron variant (3).
Genome position (GRCh38, 1-based): chr18:62,368,791-62,368,793, GAG deleted; deleting any 3 consecutive bases within chr18:62,368,787-62,368,793 gives the same sequence; the position shown is the placement nearest the transcript's 3' end. VCF-style (leftmost placement, unchanged base first): chr18-62368786-TGGA-T. GRCh37 (hg19) VCF-style: chr18-60036019-TGGA-T.
Other names: c.829GAG[1], p.Glu278del (NM_001278268.2); c.783+2031_783+2033del (NM_001270949.2); c.730+6998_730+7000del (NM_001270950.2); c.616+8742_616+8744del (NM_001270951.2); short protein forms E278del, E292del.
Identifiers: ClinVar variation 2908127 (VCV002908127.3), dbSNP rs2511591189, ClinGen allele CA2576518737.
Genomic context (GRCh38, chr18:62,368,786, plus strand): 5'-GTACACACACGGCAAACTTTGGTCAGCAGGGAGCATGTGAAGGTGTCTTACTGCTGACTC[TGGA>T]GGAGAAGACATTTCCAGAAGATATGTGCTACCCAGATCAAGGTGGTGTCTGTCAGGGCAC-3'

ClinVar aggregate classification (germline): Uncertain significance (1 of 4 stars; one submission).

Submission:

Labcorp Genetics (formerly Invitae), Labcorp
Classification: Uncertain significance. Last evaluated: 2025-10-11. Review status: criteria provided, single submitter. Criteria: Invitae Variant Classification Sherloc (09022015). Collection method: clinical testing. Allele origin: germline.
Comment: This variant, c.874_876del, results in the deletion of 1 amino acid(s) of the TNFRSF11A protein (p.Glu292del), but otherwise preserves the integrity of the reading frame. This variant is not present in population databases (gnomAD no frequency). This variant has not been reported in the literature in individuals affected with TNFRSF11A-related conditions. Experimental studies and prediction algorithms are not available or were not evaluated, and the functional significance of this variant is currently unknown. In summary, the available evidence is currently insufficient to determine the role of this variant in disease. Therefore, it has been classified as a Variant of Uncertain Significance.